The following is an entry in ClinVar:

ClinVar aggregate classification (germline): Benign/Likely benign. Review status: criteria provided, multiple submitters, no conflicts (2 of 4 stars). 4 submissions from 4 submitters: Benign (1); Likely benign (1). 2 of the submissions do not count toward it. Last evaluated 2024-10-01.

Submissions (4):

CeGaT Center for Human Genetics Tuebingen
Classification: Likely benign. Last evaluated: 2024-10-01. Review status: criteria provided, single submitter. Criteria: CeGaT Center For Human Genetics Tuebingen Variant Classification Criteria Version 2. Collection method: clinical testing. Allele origin: germline. Affected: yes. Observed: 2 variant alleles.
Comment: ASCL1: BS2

PreventionGenetics, part of Exact Sciences
Classification: Benign. Review status: criteria provided, single submitter. Criteria: ACMG Guidelines, 2015. Collection method: clinical testing. Allele origin: germline.

Clinical Genetics DNA and cytogenetics Diagnostics Lab, Erasmus MC, Erasmus Medical Center
Classification: Likely benign. Review status: no assertion criteria provided. Collection method: clinical testing. Allele origin: germline. Affected: yes. Study: VKGL Data-share Consensus. Not counted in ClinVar's aggregate classification.

Diagnostic Laboratory, Department of Genetics, University Medical Center Groningen
Classification: Likely benign. Review status: no assertion criteria provided. Collection method: clinical testing. Allele origin: germline. Affected: yes. Study: VKGL Data-share Consensus. Not counted in ClinVar's aggregate classification.

NM_004316.4(ASCL1):c.151CAG[9] (p.Gln60_Gln62del)

Genes: ASCL1 (achaete-scute family bHLH transcription factor 1; plus strand), PAH (phenylalanine hydroxylase; minus strand). Cytogenetic location: 12q23.2.
Variant type: Microsatellite.
Coding change: c.151CAG[9] on transcript NM_004316.4 (MANE Select); nine copies in a row of the 3-base unit CAG starting at c.151; the reference has 12 copies in a row; three copies, 9 bases deleted.
Protein change: p.Gln60_Gln62del.
Molecular consequence: inframe deletion. On other transcripts: 5 prime UTR variant (1).
Genome position (GRCh38, 1-based): chr12:102,958,422-102,958,430, CAGCAGCAG deleted; deleting any 9 consecutive bases within chr12:102,958,394-102,958,430 gives the same sequence; the position shown is the placement nearest the transcript's 3' end. VCF-style (leftmost placement, unchanged base first): chr12-102958393-CGCAGCAGCA-C. GRCh37 (hg19) VCF-style: chr12-103352171-CGCAGCAGCA-C.
Other names: c.-330TGC[9] (NM_001354304.2).
Identifiers: ClinVar variation 259285 (VCV000259285.30), dbSNP rs3832799, ClinGen allele CA6749125.
Genomic context (GRCh38, chr12:102,958,393, plus strand): 5'-GTTTCTTTGCCACGGCCGCAGCCGCGGCGGCCGCAGCCGCCGCAGCGGCAGCGCAGAGCG[CGCAGCAGCA>C]GCAGCAGCAGCAGCAGCAGCAGCAGCAGGCGCCGCAGCTGAGACCGGCGGCCGACGGCCA-3'